The following is an entry in ClinVar:

ClinVar aggregate classification (germline): Uncertain significance (1 of 4 stars; one submission).

Allele frequency attached by ClinVar (database versions not stated): gnomAD 0.00001.
gnomAD v4.1: 1 of 1,612,900 alleles (0.000062%); highest among the groups gnomAD compares: Admixed American, 0.0017%; no homozygotes.

Submission:

Labcorp Genetics (formerly Invitae), Labcorp
Classification: Uncertain significance. Last evaluated: 2022-03-15. Review status: criteria provided, single submitter. Criteria: Invitae Variant Classification Sherloc (09022015). Collection method: clinical testing. Allele origin: germline.
Comment: This sequence change replaces isoleucine, which is neutral and non-polar, with threonine, which is neutral and polar, at codon 365 of the SLC24A5 protein (p.Ile365Thr). This variant is not present in population databases (gnomAD no frequency). This variant has not been reported in the literature in individuals affected with SLC24A5-related conditions. Algorithms developed to predict the effect of missense changes on protein structure and function are either unavailable or do not agree on the potential impact of this missense change (SIFT: "Deleterious"; PolyPhen-2: "Probably Damaging"; Align-GVGD: "Class C0"). In summary, the available evidence is currently insufficient to determine the role of this variant in disease. Therefore, it has been classified as a Variant of Uncertain Significance.

NM_205850.3(SLC24A5):c.1094T>C (p.Ile365Thr)

Genes: MYEF2 (myelin expression factor 2; minus strand), SLC24A5 (solute carrier family 24 member 5; plus strand). Cytogenetic location: 15q21.1.
Variant type: single nucleotide variant.
Coding change: c.1094T>C on transcript NM_205850.3 (MANE Select); coding-DNA position 1094, T replaced by C.
Protein change: p.Ile365Thr; replaces isoleucine 365 with threonine.
Molecular consequence: missense variant. On other transcripts: 3 prime UTR variant (2).
Genome position (GRCh38, 1-based): chr15:48,141,128, T>C. VCF-style: chr15-48141128-T-C. GRCh37 (hg19) VCF-style: chr15-48433325-T-C.
Other names: c.*1780A>G (NM_001301210.2, NM_016132.5); short protein forms I365T.
Identifiers: ClinVar variation 2057226 (VCV002057226.1), dbSNP rs2039066350, ClinGen allele CA392453325.